The following is an entry in ClinVar:

NM_198994.3(TGM6):c.1880C>T (p.Thr627Ile)

Gene: TGM6 (transglutaminase 6; plus strand). Cytogenetic location: 20p13.
Variant type: single nucleotide variant.
Coding change: c.1880C>T on transcript NM_198994.3 (MANE Select); coding-DNA position 1880, C replaced by T.
Protein change: p.Thr627Ile; replaces threonine 627 with isoleucine.
Molecular consequence: missense variant. On other transcripts: intron variant (1).
Genome position (GRCh38, 1-based): chr20:2,430,940, C>T. VCF-style: chr20-2430940-C-T. GRCh37 (hg19) VCF-style: chr20-2411586-C-T.
Other names: c.1833+340C>T (NM_001254734.2); short protein forms T627I.
Identifiers: ClinVar variation 4759874 (VCV004759874.1).

ClinVar aggregate classification (germline): Uncertain significance (1 of 4 stars; one submission).

Submission:

Labcorp Genetics (formerly Invitae), Labcorp
Classification: Uncertain significance. Last evaluated: 2025-07-29. Review status: criteria provided, single submitter. Criteria: Invitae Variant Classification Sherloc (09022015). Collection method: clinical testing. Allele origin: germline.
Comment: This sequence change replaces threonine, which is neutral and polar, with isoleucine, which is neutral and non-polar, at codon 627 of the TGM6 protein (p.Thr627Ile). This variant is not present in population databases (gnomAD no frequency). This variant has not been reported in the literature in individuals affected with TGM6-related conditions. Invitae Evidence Modeling of protein sequence and biophysical properties (such as structural, functional, and spatial information, amino acid conservation, physicochemical variation, residue mobility, and thermodynamic stability) indicates that this missense variant is not expected to disrupt TGM6 protein function with a negative predictive value of 95%. In summary, the available evidence is currently insufficient to determine the role of this variant in disease. Therefore, it has been classified as a Variant of Uncertain Significance.